The following is an entry in ClinVar:

NM_001004334.4(GPR179):c.1296+1G>A

Gene: GPR179 (G protein-coupled receptor 179; minus strand). Cytogenetic location: 17q12.
Variant type: single nucleotide variant.
Coding change: c.1296+1G>A on transcript NM_001004334.4 (MANE Select); the canonical splice donor site of the intron after coding-DNA position 1296, G replaced by A.
Molecular consequence: splice donor variant.
Genome position (GRCh38, 1-based): chr17:38,336,075, C>T on the plus strand (G>A on the coding strand, the complement: GPR179 is on the minus strand). VCF-style: chr17-38336075-C-T. GRCh37 (hg19) VCF-style: chr17-36491958-C-T.
Identifiers: ClinVar variation 1479442 (VCV001479442.8), dbSNP rs779656144, ClinGen allele CA290109045.

ClinVar aggregate classification (germline): Likely pathogenic (1 of 4 stars; one submission).

Submission:

Labcorp Genetics (formerly Invitae), Labcorp
Classification: Likely pathogenic. Last evaluated: 2022-10-13. Review status: criteria provided, single submitter. Criteria: Invitae Variant Classification Sherloc (09022015). Collection method: clinical testing. Allele origin: germline.
Comment: In summary, the currently available evidence indicates that the variant is pathogenic, but additional data are needed to prove that conclusively. Therefore, this variant has been classified as Likely Pathogenic. Algorithms developed to predict the effect of sequence changes on RNA splicing suggest that this variant may disrupt the consensus splice site. ClinVar contains an entry for this variant (Variation ID: 1479442). This variant has not been reported in the literature in individuals affected with GPR179-related conditions. This variant is present in population databases (rs779656144, gnomAD 0.006%). This sequence change affects a donor splice site in intron 5 of the GPR179 gene. It is expected to disrupt RNA splicing. Variants that disrupt the donor or acceptor splice site typically lead to a loss of protein function (PMID: 16199547), and loss-of-function variants in GPR179 are known to be pathogenic (PMID: 22325361, 22325362).

Literature cited by the submitters: PubMed 16199547; PubMed 22325361; PubMed 22325362.